The following is an entry in ClinVar:

ClinVar aggregate classification (germline): Uncertain significance (1 of 4 stars; one submission).

Conditions:
Joubert syndrome 14 (JBTS14). Identifiers: MedGen C3280766, MONDO:0013745, OMIM 614424.

gnomAD v4.1: 1 of 1,581,118 alleles (0.000063%); highest among the groups gnomAD compares: Non-Finnish European, 0.000086%; no homozygotes.

Submission:

Labcorp Genetics (formerly Invitae), Labcorp
Classification: Uncertain significance for Joubert syndrome 14. Last evaluated: 2021-06-13. Review status: criteria provided, single submitter. Criteria: Invitae Variant Classification Sherloc (09022015). Collection method: clinical testing. Allele origin: germline.
Comment: In summary, the available evidence is currently insufficient to determine the role of this variant in disease. Therefore, it has been classified as a Variant of Uncertain Significance. Algorithms developed to predict the effect of missense changes on protein structure and function are either unavailable or do not agree on the potential impact of this missense change (SIFT: "Deleterious"; PolyPhen-2: "Probably Damaging"; Align-GVGD: "Class C0"). This variant has not been reported in the literature in individuals with TMEM237-related conditions. This variant is not present in population databases (ExAC no frequency). This sequence change replaces serine with asparagine at codon 385 of the TMEM237 protein (p.Ser385Asn). The serine residue is highly conserved and there is a small physicochemical difference between serine and asparagine.

NM_001044385.3(TMEM237):c.1154G>A (p.Ser385Asn)

Gene: TMEM237 (transmembrane protein 237; minus strand). Cytogenetic location: 2q33.1.
Variant type: single nucleotide variant.
Coding change: c.1154G>A on transcript NM_001044385.3 (MANE Select); coding-DNA position 1154, G replaced by A.
Protein change: p.Ser385Asn; replaces serine 385 with asparagine.
Molecular consequence: missense variant.
Genome position (GRCh38, 1-based): chr2:201,626,031, C>T on the plus strand (G>A on the coding strand, the complement: TMEM237 is on the minus strand). VCF-style: chr2-201626031-C-T. GRCh37 (hg19) VCF-style: chr2-202490754-C-T.
Other names: c.1130G>A, p.Ser377Asn (NM_152388.4); short protein forms S377N, S385N.
Identifiers: ClinVar variation 1360827 (VCV001360827.8), dbSNP rs1362249907, ClinGen allele CA350304112.
Genomic context (GRCh38, chr2:201,626,031, plus strand): 5'-AAAACCATTATAGAAGATTTCAGGATATTCTTATGCTATTTTTTTTCTTTAATACCTTCA[C>T]TAAGATCCATGCCTGGCCTATAAGACAAAAATAGCCAAGATAATCCAACCAGAAGAGCCA-3'
Protein context (NP_001037850.1, residues 375-395): FLSYRPGMDL[Ser385Asn]EELMFSSEVE